The following is an entry in ClinVar:

NM_138711.6(PPARG):c.963C>T (p.His321=)

Gene: PPARG (peroxisome proliferator activated receptor gamma; plus strand). Cytogenetic location: 3p25.2.
Variant type: single nucleotide variant.
Coding change: c.963C>T on transcript NM_138711.6 (MANE Select); coding-DNA position 963, C replaced by T.
Protein change: p.His321=; no amino-acid change (histidine 321 retained).
Molecular consequence: synonymous variant. On other transcripts: intron variant (5).
Genome position (GRCh38, 1-based): chr3:12,416,937, C>T. VCF-style: chr3-12416937-C-T. GRCh37 (hg19) VCF-style: chr3-12458436-C-T.
Other names: c.963C>T, p.His321= (NM_001354666.3, NM_001354667.3, NM_001374263.2 and 3 more transcripts); c.336C>T, p.His112= (NM_001354669.2); c.1053C>T, p.His351= (NM_015869.5); c.729+10856C>T (NM_001374261.3, NM_001374262.3, NM_001330615.4); c.653+10938C>T (NM_001374266.1); c.819+10856C>T (NM_001374265.1).
Identifiers: ClinVar variation 746869 (VCV000746869.34), dbSNP rs551166467, ClinGen allele CA2258305.

ClinVar aggregate classification (germline): Benign/Likely benign. Review status: criteria provided, multiple submitters, no conflicts (2 of 4 stars). 4 submissions from 4 submitters: Benign (1); Likely benign (2). 1 of the submissions does not count toward it. Last evaluated 2025-08-29.

Conditions:
PPARG-related disorder. Also called: PPARG-related disorders; PPARG-related condition.

Allele frequency attached by ClinVar (database versions not stated): gnomAD 0.00004 and 0.00013; TOPMed 0.00005; gnomAD exomes 0.00026 and 0.00045; ExAC 0.00056; 1000 Genomes Project 30x 0.00062; 1000 Genomes Project 0.00080.
gnomAD v4.1: 397 of 1,613,986 alleles (0.025%); highest among the groups gnomAD compares: South Asian, 0.39%; 3 homozygotes.

Submissions (4):

Labcorp Genetics (formerly Invitae), Labcorp
Classification: Benign. Last evaluated: 2025-08-29. Review status: criteria provided, single submitter. Criteria: Invitae Variant Classification Sherloc (09022015). Collection method: clinical testing. Allele origin: germline.

Blueprint Genetics
Classification: Likely benign. Last evaluated: 2024-09-13. Review status: criteria provided, single submitter. Criteria: ACMG Guidelines, 2015. Collection method: clinical testing. Allele origin: germline.

CeGaT Center for Human Genetics Tuebingen
Classification: Likely benign. Last evaluated: 2023-07-01. Review status: criteria provided, single submitter. Criteria: CeGaT Center For Human Genetics Tuebingen Variant Classification Criteria Version 2. Collection method: clinical testing. Allele origin: germline. Affected: yes. Observed: 1 variant allele.
Comment: PPARG: BP4, BP7

PreventionGenetics, part of Exact Sciences
Classification: Likely benign for PPARG-related condition. Last evaluated: 2024-03-13. Review status: no assertion criteria provided. Collection method: clinical testing. Allele origin: germline. Not counted in ClinVar's aggregate classification.
Comment: This variant is classified as likely benign based on ACMG/AMP sequence variant interpretation guidelines (Richards et al. 2015 PMID: 25741868, with internal and published modifications).